The following is an entry in ClinVar:

NM_018076.5(ODAD2):c.2010dup (p.Ala671fs)

Gene: ODAD2 (outer dynein arm docking complex subunit 2; minus strand). Cytogenetic location: 10p12.1.
Variant type: Duplication.
Coding change: c.2010dup on transcript NM_018076.5 (MANE Select); coding-DNA position 2010, one base duplicated (A; older notation c.2010dupA).
Protein change: p.Ala671fs; shifts the reading frame from alanine 671.
Molecular consequence: frameshift variant.
Genome position (GRCh38, 1-based): chr10:27,939,984, T duplicated on the plus strand (A on the coding strand, the reverse complement: ODAD2 is on the minus strand); the first of 3 consecutive T bases (chr10:27,939,984-27,939,986); duplicating any one gives the same sequence. VCF-style (leftmost placement, unchanged base first): chr10-27939983-C-CT. GRCh37 (hg19) VCF-style: chr10-28228912-C-CT.
Other names: c.2010dup, p.Ala671fs (NM_001290020.2); c.585dup, p.Ala196fs (NM_001290021.2); c.1086dup, p.Ala363fs (NM_001312689.2); short protein forms A196fs, A363fs, A671fs.
Identifiers: ClinVar variation 1526173 (VCV001526173.1), dbSNP rs1564526396, ClinGen allele CA592409256.
Genomic context (GRCh38, chr10:27,939,983, plus strand): 5'-CCTGCAGCTGCTCATTCTCACTATTTAGGTTCTTGACAAGGTTTTCAATGATCCTTTCTG[C>CT]TTTGATTGCAGCCCGGTAGTTTTCCTAGGAATAAAAACCTACATATTTATGTGTTCAAGA-3'

ClinVar aggregate classification (germline): Likely pathogenic (1 of 4 stars; one submission).

Conditions:
Primary ciliary dyskinesia 23 (CILD23). Also called: CILIARY DYSKINESIA, PRIMARY, 23, WITH OR WITHOUT SITUS INVERSUS. Identifiers: Orphanet 244, MedGen C3809548, MONDO:0014193, OMIM 615451.

Submission:

3billion
Classification: Likely pathogenic for Primary ciliary dyskinesia 23. Last evaluated: 2022-03-22. Review status: criteria provided, single submitter. Criteria: ACMG Guidelines, 2015. Collection method: clinical testing. Allele origin: germline. Affected: yes. Observed: 1 homozygote.
Comment: Frameshift: predicted to result in a loss or disruption of normal protein function through nonsense-mediated decay (NMD) or protein truncation. Multiple pathogenic variants are reported downstream of the variant. The variant is observed at an extremely low frequency in the gnomAD v2.1.1 dataset (total allele frequency:0.0000040). Therefore, this variant is classified as likely pathogenic according to the recommendation of ACMG/AMP guideline.